The following is an entry in ClinVar:

NM_018082.6(POLR3B):c.2796C>T (p.His932=)

Gene: POLR3B (RNA polymerase III subunit B; plus strand). Cytogenetic location: 12q23.3.
Variant type: single nucleotide variant.
Coding change: c.2796C>T on transcript NM_018082.6 (MANE Select); coding-DNA position 2796, C replaced by T.
Protein change: p.His932=; no amino-acid change (histidine 932 retained).
Molecular consequence: synonymous variant.
Genome position (GRCh38, 1-based): chr12:106,496,137, C>T. VCF-style: chr12-106496137-C-T. GRCh37 (hg19) VCF-style: chr12-106889915-C-T.
Other names: c.2796C>T (NM_018082.5); c.2622C>T, p.His874= (NM_001160708.2).
Identifiers: ClinVar variation 1690970 (VCV001690970.10), dbSNP rs141030994, ClinGen allele CA6762285.

ClinVar aggregate classification (germline): Conflicting classifications of pathogenicity. Review status: criteria provided, conflicting classifications (1 of 4 stars). 4 submissions from 4 submitters: Uncertain significance (1); Benign (1); Likely benign (1). 1 of the submissions does not count toward it. Last evaluated 2025-02-15.

Conditions:
POLR3B-related disorder. Also called: POLR3B-related condition; POLR3B-related disorders. Identifiers: MedGen CN378588, MONDO:0700277.

Allele frequency attached by ClinVar (database versions not stated): gnomAD exomes 0.00007 and 0.00018; ExAC 0.00024; 1000 Genomes Project 30x 0.00047; 1000 Genomes Project 0.00060; gnomAD 0.00080 and 0.00088; TOPMed 0.00082; ESP Exome Variant Server 0.00115.
gnomAD v4.1: 226 of 1,605,680 alleles (0.014%); highest among the groups gnomAD compares: African/African-American, 0.23%; no homozygotes.

Submissions (4):

Labcorp Genetics (formerly Invitae), Labcorp
Classification: Benign. Last evaluated: 2025-02-15. Review status: criteria provided, single submitter. Criteria: Invitae Variant Classification Sherloc (09022015). Collection method: clinical testing. Allele origin: germline.

Blueprint Genetics
Classification: Likely benign. Last evaluated: 2024-09-04. Review status: criteria provided, single submitter. Criteria: ACMG Guidelines, 2015. Collection method: clinical testing. Allele origin: germline.

Laboratorio de Genetica e Diagnostico Molecular, Hospital Israelita Albert Einstein
Classification: Uncertain significance. Last evaluated: 2020-11-16. Review status: criteria provided, single submitter. Criteria: ACMG Guidelines, 2015. Collection method: clinical testing. Allele origin: germline. Affected: yes.
Comment: ACMG classification criteria: BP7

PreventionGenetics, part of Exact Sciences
Classification: Likely benign for POLR3B-related condition. Last evaluated: 2019-04-26. Review status: no assertion criteria provided. Collection method: clinical testing. Allele origin: germline. Not counted in ClinVar's aggregate classification.
Comment: This variant is classified as likely benign based on ACMG/AMP sequence variant interpretation guidelines (Richards et al. 2015 PMID: 25741868, with internal and published modifications).